The following is an entry in ClinVar:

NM_005559.4(LAMA1):c.6487G>A (p.Ala2163Thr)

Gene: LAMA1 (laminin subunit alpha 1; minus strand). Cytogenetic location: 18p11.31.
Variant type: single nucleotide variant.
Coding change: c.6487G>A on transcript NM_005559.4 (MANE Select); coding-DNA position 6487, G replaced by A.
Protein change: p.Ala2163Thr; replaces alanine 2163 with threonine.
Molecular consequence: missense variant.
Genome position (GRCh38, 1-based): chr18:6,975,939, C>T on the plus strand (G>A on the coding strand, the complement: LAMA1 is on the minus strand). VCF-style: chr18-6975939-C-T. GRCh37 (hg19) VCF-style: chr18-6975938-C-T.
Other names: c.6487G>A (NM_005559.3); short protein forms A2163T.
Identifiers: ClinVar variation 1553140 (VCV001553140.12), dbSNP rs141405588, ClinGen allele CA8881232.

ClinVar aggregate classification (germline): Conflicting classifications of pathogenicity. Review status: criteria provided, conflicting classifications (1 of 4 stars). 5 submissions from 5 submitters: Uncertain significance (1); Likely benign (4). Last evaluated 2026-01-27.

Conditions:
LAMA1-related disorder. Also called: LAMA1-related disorders; LAMA1-related condition.
Inborn genetic diseases. Identifiers: MedGen C0950123, MeSH D030342.

Allele frequency attached by ClinVar (database versions not stated): gnomAD exomes 0.00017; ExAC 0.00021; ESP Exome Variant Server 0.00069; gnomAD 0.00070 and 0.00072; TOPMed 0.00066; 1000 Genomes Project 0.00140; 1000 Genomes Project 30x 0.00203.
gnomAD v4.1: 210 of 1,613,976 alleles (0.013%); highest among the groups gnomAD compares: African/African-American, 0.22%; no homozygotes.

Submissions (5):

Labcorp Genetics (formerly Invitae), Labcorp
Classification: Likely benign. Last evaluated: 2026-01-27. Review status: criteria provided, single submitter. Criteria: Invitae Variant Classification Sherloc (09022015). Collection method: clinical testing. Allele origin: germline.

PreventionGenetics, part of Exact Sciences
Classification: Likely benign for LAMA1-related condition. Last evaluated: 2025-12-22. Review status: criteria provided, single submitter. Criteria: ACMG Guidelines, 2015. Collection method: clinical testing. Allele origin: germline.
Comment: This variant is classified as likely benign based on ACMG/AMP sequence variant interpretation guidelines (Richards et al. 2015 PMID: 25741868, with internal and published modifications).

Blueprint Genetics
Classification: Likely benign. Last evaluated: 2024-10-23. Review status: criteria provided, single submitter. Criteria: ACMG Guidelines, 2015. Collection method: clinical testing. Allele origin: germline.

Women's Health and Genetics/Laboratory Corporation of America, LabCorp
Classification: Uncertain significance. Last evaluated: 2024-08-07. Review status: criteria provided, single submitter. Criteria: LabCorp Variant Classification Summary - May 2015. Collection method: clinical testing. Allele origin: germline.
Comment: Variant summary: LAMA1 c.6487G>A (p.Ala2163Thr) results in a non-conservative amino acid change located in the Laminin G domain (IPR001791) of the encoded protein sequence. Three of four in-silico tools predict a benign effect of the variant on protein function. Consensus agreement among computation tools predict no significant impact on normal splicing. However, these predictions have yet to be confirmed by functional studies. The variant allele was found at a frequency of 0.00017 in 251444 control chromosomes in the gnomAD database, including 1 homozygotes. This frequency is not significantly higher than estimated for a pathogenic variant in LAMA1 causing Ataxia-Intellectual Disability-Oculomotor Apraxia-Cerebellar Cysts Syndrome, allowing no conclusion about variant significance. To our knowledge, no occurrence of c.6487G>A in individuals affected with Ataxia-Intellectual Disability-Oculomotor Apraxia-Cerebellar Cysts Syndrome and no experimental evidence demonstrating its impact on protein function have been reported. ClinVar contains an entry for this variant (Variation ID: 1553140). Based on the evidence outlined above, the variant was classified as uncertain significance.

Ambry Genetics
Classification: Likely benign for Inborn genetic diseases. Last evaluated: 2024-04-23. Review status: criteria provided, single submitter. Criteria: Ambry Variant Classification Scheme 2023. Collection method: clinical testing. Allele origin: germline.